The following is an entry in ClinVar:

NM_005188.4(CBL):c.2155G>T (p.Ala719Ser)

Gene: CBL (Cbl proto-oncogene; plus strand). Cytogenetic location: 11q23.3.
Variant type: single nucleotide variant.
Coding change: c.2155G>T on transcript NM_005188.4 (MANE Select); coding-DNA position 2155, G replaced by T.
Protein change: p.Ala719Ser; replaces alanine 719 with serine.
Molecular consequence: missense variant.
Genome position (GRCh38, 1-based): chr11:119,297,385, G>T. VCF-style: chr11-119297385-G-T. GRCh37 (hg19) VCF-style: chr11-119168095-G-T.
Other names: c.2155G>T (NM_005188.2); short protein forms A719S.
Identifiers: ClinVar variation 2420637 (VCV002420637.7), dbSNP rs757126995, ClinGen allele CA382927755.

ClinVar aggregate classification (germline): Uncertain significance. Review status: criteria provided, multiple submitters, no conflicts (2 of 4 stars). 2 submissions from 2 submitters: Uncertain significance (2). Last evaluated 2025-09-25.

Conditions:
Cardiovascular phenotype. Identifiers: MedGen CN230736.
RASopathy. Also called: rasopathies; Noonan spectrum disorder. Identifiers: Orphanet 536391, MedGen C5555857, MONDO:0021060.

gnomAD v4.1: 2 of 1,610,614 alleles (0.00012%); highest among the groups gnomAD compares: East Asian, 0.0045%; no homozygotes.

Submissions (2):

Ambry Genetics
Classification: Uncertain significance for Cardiovascular phenotype. Last evaluated: 2025-09-25. Review status: criteria provided, single submitter. Criteria: Ambry Variant Classification Scheme 2023. Collection method: clinical testing. Allele origin: germline.
Comment: The p.A719S variant (also known as c.2155G>T), located in coding exon 14 of the CBL gene, results from a G to T substitution at nucleotide position 2155. The alanine at codon 719 is replaced by serine, an amino acid with similar properties. This amino acid position is conserved. In addition, this alteration is predicted to be tolerated by in silico analysis. Based on the available evidence, the clinical significance of this variant remains unclear.

Labcorp Genetics (formerly Invitae), Labcorp
Classification: Uncertain significance for RASopathy. Last evaluated: 2025-06-29. Review status: criteria provided, single submitter. Criteria: Invitae Variant Classification Sherloc (09022015). Collection method: clinical testing. Allele origin: germline.
Comment: This sequence change replaces alanine, which is neutral and non-polar, with serine, which is neutral and polar, at codon 719 of the CBL protein (p.Ala719Ser). This variant is present in population databases (no rsID available, gnomAD 0.02%). This variant has not been reported in the literature in individuals affected with CBL-related conditions. ClinVar contains an entry for this variant (Variation ID: 2420637). Invitae Evidence Modeling of protein sequence and biophysical properties (such as structural, functional, and spatial information, amino acid conservation, physicochemical variation, residue mobility, and thermodynamic stability) indicates that this missense variant is not expected to disrupt CBL protein function with a negative predictive value of 95%. In summary, the available evidence is currently insufficient to determine the role of this variant in disease. Therefore, it has been classified as a Variant of Uncertain Significance.